The following is an entry in ClinVar:

ClinVar aggregate classification (germline): Conflicting classifications of pathogenicity. Review status: criteria provided, conflicting classifications (1 of 4 stars). 2 submissions from 2 submitters: Uncertain significance (1); Likely benign (1). Last evaluated 2019-03-26.

Allele frequency attached by ClinVar (database versions not stated): TOPMed 0.00001.
gnomAD v4.1: 43 of 1,613,524 alleles (0.0027%); highest among the groups gnomAD compares: Admixed American, 0.017%; no homozygotes.

Submissions (2):

Revvity Omics, Revvity
Classification: Uncertain significance. Last evaluated: 2019-03-26. Review status: criteria provided, single submitter. Criteria: ACMG Guidelines, 2015. Collection method: clinical testing. Allele origin: germline.

GeneDx
Classification: Likely benign. Last evaluated: 2017-08-01. Review status: criteria provided, single submitter. Criteria: GeneDx Variant Classification (06012015). Collection method: clinical testing. Allele origin: germline. Affected: yes.
Comment: This variant is considered likely benign or benign based on one or more of the following criteria: it is a conservative change, it occurs at a poorly conserved position in the protein, it is predicted to be benign by multiple in silico algorithms, and/or has population frequency not consistent with disease.

NM_001267550.2(TTN):c.105790G>A (p.Val35264Ile)

Genes: TTN (titin; minus strand), TTN-AS1 (TTN antisense RNA 1; plus strand), LOC129935183 (ATAC-STARR-seq lymphoblastoid active region 16808; plus strand). Cytogenetic location: 2q31.2.
Variant type: single nucleotide variant.
Coding change: c.105790G>A on transcript NM_001267550.2 (MANE Select); coding-DNA position 105790, G replaced by A.
Protein change: p.Val35264Ile; replaces valine 35264 with isoleucine.
Molecular consequence: missense variant.
Genome position (GRCh38, 1-based): chr2:178,530,825, C>T on the plus strand (G>A on the coding strand, the complement: TTN is on the minus strand). VCF-style: chr2-178530825-C-T. GRCh37 (hg19) VCF-style: chr2-179395552-C-T.
Other names: c.100867G>A, p.Val33623Ile (NM_001256850.1); c.78595G>A, p.Val26199Ile (NM_003319.4); c.98086G>A, p.Val32696Ile (NM_133378.4); c.78970G>A, p.Val26324Ile (NM_133432.3); c.79171G>A, p.Val26391Ile (NM_133437.4); short protein forms V33623I, V35264I, V26391I, V26324I, V26199I, V32696I.
Identifiers: ClinVar variation 511298 (VCV000511298.4), dbSNP rs770730954, ClinGen allele CA1985211.